The following is an entry in ClinVar:

ClinVar aggregate classification (germline): Conflicting classifications of pathogenicity. Review status: criteria provided, conflicting classifications (1 of 4 stars). 4 submissions from 4 submitters: Uncertain significance (1); Likely benign (3). Last evaluated 2026-06-01.

Conditions:
Rubinstein-Taybi syndrome due to EP300 haploinsufficiency. Also called: RUBINSTEIN-TAYBI SYNDROME 2; EP300-Related Rubinstein-Taybi Syndrome. Identifiers: Orphanet 353284, Orphanet 783, MedGen C3150941, MONDO:0013364, OMIM 613684.

Allele frequency attached by ClinVar (database versions not stated): gnomAD 0.00011 and 0.00012; gnomAD exomes 0.00013 and 0.00014; TOPMed 0.00013; 1000 Genomes Project 30x 0.00016; ExAC 0.00018; 1000 Genomes Project 0.00020; ESP Exome Variant Server 0.00023.
gnomAD v4.1: 195 of 1,610,554 alleles (0.012%); highest among the groups gnomAD compares: Non-Finnish European, 0.016%; no homozygotes.

Submissions (4):

CeGaT Center for Human Genetics Tuebingen
Classification: Likely benign. Last evaluated: 2026-06-01. Review status: criteria provided, single submitter. Criteria: CeGaT Center For Human Genetics Tuebingen Variant Classification Criteria Version 2. Collection method: clinical testing. Allele origin: germline. Affected: yes. Observed: 3 variant alleles.
Comment: EP300: BP4, BP7

Labcorp Genetics (formerly Invitae), Labcorp
Classification: Likely benign for Rubinstein-Taybi syndrome due to EP300 haploinsufficiency. Last evaluated: 2025-08-17. Review status: criteria provided, single submitter. Criteria: Invitae Variant Classification Sherloc (09022015). Collection method: clinical testing. Allele origin: germline.

Blueprint Genetics
Classification: Likely benign. Last evaluated: 2024-08-19. Review status: criteria provided, single submitter. Criteria: ACMG Guidelines, 2015. Collection method: clinical testing. Allele origin: germline.

Eurofins Ntd Llc (ga)
Classification: Uncertain significance. Last evaluated: 2017-06-08. Review status: criteria provided, single submitter. Criteria: EGL Classification Definitions 2015. Collection method: clinical testing. Allele origin: germline. Observed: 1 variant allele, 1 heterozygote.

NM_001429.4(EP300):c.2787A>G (p.Ala929=)

Gene: EP300 (EP300 lysine acetyltransferase; plus strand). Cytogenetic location: 22q13.2.
Variant type: single nucleotide variant.
Coding change: c.2787A>G on transcript NM_001429.4 (MANE Select); coding-DNA position 2787, A replaced by G.
Protein change: p.Ala929=; no amino-acid change (alanine 929 retained).
Molecular consequence: synonymous variant.
Genome position (GRCh38, 1-based): chr22:41,150,168, A>G. VCF-style: chr22-41150168-A-G. GRCh37 (hg19) VCF-style: chr22-41546172-A-G.
Other names: c.2709A>G, p.Ala903= (NM_001362843.2).
Identifiers: ClinVar variation 341799 (VCV000341799.40), dbSNP rs143690368, ClinGen allele CA10252944.